The following is an entry in ClinVar:

ClinVar aggregate classification (germline): Likely pathogenic (1 of 4 stars; one submission).

Conditions:
Fucosidosis. Also called: ALPHA-L-FUCOSIDASE DEFICIENCY. Identifiers: Orphanet 349, MedGen C0016788, MONDO:0009254, OMIM 230000.

Submission:

Dubai Health Genomic Medicine Center, Dubai Health
Classification: Likely pathogenic for Fucosidosis. Last evaluated: 2024-10-04. Review status: criteria provided, single submitter. Criteria: ACMG Guidelines, 2015. Collection method: research. Allele origin: germline. Affected: yes.
Comment: PVS1,PM2

NM_000147.5(FUCA1):c.558dup (p.Glu187fs)

Gene: FUCA1 (alpha-L-fucosidase 1; minus strand). Cytogenetic location: 1p36.11.
Variant type: Duplication.
Coding change: c.558dup on transcript NM_000147.5 (MANE Select); coding-DNA position 558, one base duplicated (A; older notation c.558dupA).
Protein change: p.Glu187fs; shifts the reading frame from glutamic acid 187.
Molecular consequence: frameshift variant. On other transcripts: non-coding transcript variant (4).
Genome position (GRCh38, 1-based): chr1:23,863,238, T duplicated on the plus strand (A on the coding strand, the reverse complement: FUCA1 is on the minus strand). VCF-style (leftmost placement, unchanged base first): chr1-23863237-C-CT. GRCh37 (hg19) VCF-style: chr1-24189727-C-CT.
Other names: short protein forms E187fs.
Identifiers: ClinVar variation 3384033 (VCV003384033.1).
Genomic context (GRCh38, chr1:23,863,237, plus strand): 5'-CAAAATGCTGTGTTTTGAAGCCATTTTTCTTATCAAGTAGATAGAGTGGATGGAACCACT[C>CT]TAAGAGTGAGTGGTATAGTCCATAGCGGATGTTCCTTAAACAGAAAAACAGAACAGCAAC-3'